The following is an entry in ClinVar:

ClinVar aggregate classification (germline): Uncertain significance (1 of 4 stars; one submission).

Conditions:
Hereditary cancer-predisposing syndrome. Also called: Neoplastic Syndromes, Hereditary; Tumor predisposition; Hereditary Cancer Syndrome; Hereditary neoplastic syndrome. Identifiers: Orphanet 140162, MedGen C0027672, MeSH D009386, MONDO:0015356.
Cardiovascular phenotype. Identifiers: MedGen CN230736.

Allele frequency attached by ClinVar (database versions not stated): gnomAD exomes below 0.00001.
gnomAD v4.1: 1 of 1,598,514 alleles (0.000063%); highest among the groups gnomAD compares: Admixed American, 0.0017%; no homozygotes.

Submission:

Ambry Genetics
Classification: Uncertain significance for Cardiovascular phenotype; Hereditary cancer-predisposing syndrome. Last evaluated: 2023-01-04. Review status: criteria provided, single submitter. Criteria: Ambry Variant Classification Scheme 2023. Collection method: clinical testing. Allele origin: germline.
Comment: The p.M242I variant (also known as c.726G>A), located in coding exon 7 of the NF1 gene, results from a G to A substitution at nucleotide position 726. The methionine at codon 242 is replaced by isoleucine, an amino acid with highly similar properties. This amino acid position is highly conserved in available vertebrate species. In addition, this alteration is predicted to be deleterious by in silico analysis. Since supporting evidence is limited at this time, the clinical significance of this alteration remains unclear.

NM_001042492.3(NF1):c.726G>A (p.Met242Ile)

Gene: NF1 (neurofibromin 1; plus strand). Cytogenetic location: 17q11.2.
Variant type: single nucleotide variant.
Coding change: c.726G>A on transcript NM_001042492.3 (MANE Select); coding-DNA position 726, G replaced by A.
Protein change: p.Met242Ile; replaces methionine 242 with isoleucine.
Molecular consequence: missense variant.
Genome position (GRCh38, 1-based): chr17:31,181,781, G>A. VCF-style: chr17-31181781-G-A. GRCh37 (hg19) VCF-style: chr17-29508799-G-A.
Other names: c.726G>A, p.Met242Ile (NM_000267.4, NM_001128147.3); short protein forms M242I.
Identifiers: ClinVar variation 1758009 (VCV001758009.3), dbSNP rs1288768926, ClinGen allele CA398990220.